The following is an entry in ClinVar:

NM_000143.4(FH):c.1164G>A (p.Met388Ile)

Gene: FH (fumarate hydratase; minus strand). Cytogenetic location: 1q43.
Variant type: single nucleotide variant.
Coding change: c.1164G>A on transcript NM_000143.4 (MANE Select); coding-DNA position 1164, G replaced by A.
Protein change: p.Met388Ile; replaces methionine 388 with isoleucine.
Molecular consequence: missense variant.
Genome position (GRCh38, 1-based): chr1:241,502,515, C>T on the plus strand (G>A on the coding strand, the complement: FH is on the minus strand). VCF-style: chr1-241502515-C-T. GRCh37 (hg19) VCF-style: chr1-241665815-C-T.
Other names: short protein forms M388I.
Identifiers: ClinVar variation 3646660 (VCV003646660.2).

ClinVar aggregate classification (germline): Uncertain significance (1 of 4 stars; one submission).

Submission:

Labcorp Genetics (formerly Invitae), Labcorp
Classification: Uncertain significance. Last evaluated: 2025-01-19. Review status: criteria provided, single submitter. Criteria: Invitae Variant Classification Sherloc (09022015). Collection method: clinical testing. Allele origin: germline.
Comment: This sequence change replaces methionine, which is neutral and non-polar, with isoleucine, which is neutral and non-polar, at codon 388 of the FH protein (p.Met388Ile). This variant is not present in population databases (gnomAD no frequency). This variant has not been reported in the literature in individuals affected with FH-related conditions. Invitae Evidence Modeling of protein sequence and biophysical properties (such as structural, functional, and spatial information, amino acid conservation, physicochemical variation, residue mobility, and thermodynamic stability) indicates that this missense variant is not expected to disrupt FH protein function with a negative predictive value of 80%. In summary, the available evidence is currently insufficient to determine the role of this variant in disease. Therefore, it has been classified as a Variant of Uncertain Significance.